The following is an entry in ClinVar:

ClinVar aggregate classification (germline): Conflicting classifications of pathogenicity. Review status: criteria provided, conflicting classifications (1 of 4 stars). 2 submissions from 2 submitters: Uncertain significance (1); Likely benign (1). Last evaluated 2023-11-18.

Conditions:
POLD1-related polyposis and colorectal cancer syndrome (CRCS10). Also called: Colorectal cancer, susceptibility to, 10; Colorectal cancer 10; COLORECTAL CANCER, SUSCEPTIBILITY TO, ON CHROMOSOME 19q. Identifiers: Orphanet 220460, MedGen C2675481, MONDO:0012953, OMIM 612591.
Hereditary cancer-predisposing syndrome. Also called: Hereditary Cancer Syndrome; Hereditary neoplastic syndrome; Neoplastic Syndromes, Hereditary; Tumor predisposition. Identifiers: Orphanet 140162, MedGen C0027672, MeSH D009386, MONDO:0015356.

Submissions (2):

Ambry Genetics
Classification: Likely benign for Hereditary cancer-predisposing syndrome. Last evaluated: 2023-11-18. Review status: criteria provided, single submitter. Criteria: Ambry Variant Classification Scheme 2023. Collection method: clinical testing. Allele origin: germline.

Labcorp Genetics (formerly Invitae), Labcorp
Classification: Uncertain significance for POLD1-related polyposis and colorectal cancer syndrome. Last evaluated: 2022-07-25. Review status: criteria provided, single submitter. Criteria: Invitae Variant Classification Sherloc (09022015). Collection method: clinical testing. Allele origin: germline.
Comment: This variant has not been reported in the literature in individuals affected with POLD1-related conditions. This sequence change replaces threonine, which is neutral and polar, with isoleucine, which is neutral and non-polar, at codon 412 of the POLD1 protein (p.Thr412Ile). This variant is not present in population databases (gnomAD no frequency). ClinVar contains an entry for this variant (Variation ID: 818666). Algorithms developed to predict the effect of missense changes on protein structure and function output the following: SIFT: "Tolerated"; PolyPhen-2: "Benign"; Align-GVGD: "Class C0". The isoleucine amino acid residue is found in multiple mammalian species, which suggests that this missense change does not adversely affect protein function. In summary, the available evidence is currently insufficient to determine the role of this variant in disease. Therefore, it has been classified as a Variant of Uncertain Significance.

NM_002691.4(POLD1):c.1235C>T (p.Thr412Ile)

Gene: POLD1 (DNA polymerase delta 1, catalytic subunit; plus strand). Cytogenetic location: 19q13.33.
Variant type: single nucleotide variant.
Coding change: c.1235C>T on transcript NM_002691.4 (MANE Select); coding-DNA position 1235, C replaced by T.
Protein change: p.Thr412Ile; replaces threonine 412 with isoleucine.
Molecular consequence: missense variant. On other transcripts: non-coding transcript variant (1).
Genome position (GRCh38, 1-based): chr19:50,403,590, C>T. VCF-style: chr19-50403590-C-T. GRCh37 (hg19) VCF-style: chr19-50906847-C-T.
Other names: c.1235C>T, p.Thr412Ile (NM_001256849.1, NM_001308632.1); short protein forms T412I.
Identifiers: ClinVar variation 818666 (VCV000818666.12), dbSNP rs774993483, ClinGen allele CA406978635.